The following is an entry in ClinVar:

ClinVar aggregate classification (germline): Uncertain significance. Review status: criteria provided, multiple submitters, no conflicts (2 of 4 stars). 6 submissions from 6 submitters: Uncertain significance (6). Last evaluated 2025-06-30.

Conditions:
Pituitary adenoma 5, multiple types. Identifiers: MedGen C4539685, MONDO:0054601, OMIM 617540.
Autosomal recessive nonsyndromic hearing loss 12. Also called: DEAFNESS, AUTOSOMAL RECESSIVE 12. Identifiers: Orphanet 90636, MedGen C1832394, MONDO:0011067, OMIM 601386.
Usher syndrome type 1D (USH1D). Also called: USHER SYNDROME, TYPE ID. Identifiers: Orphanet 231169, Orphanet 886, MedGen C1832845, MONDO:0010984, OMIM 601067.
Inborn genetic diseases. Identifiers: MedGen C0950123, MeSH D030342.

Allele frequency attached by ClinVar (database versions not stated): ESP Exome Variant Server 0.00017; ExAC 0.00002; gnomAD exomes 0.00004 and 0.00006; TOPMed 0.00005; gnomAD 0.00007 and 0.00008.
gnomAD v4.1: 103 of 1,607,406 alleles (0.0064%); highest among the groups gnomAD compares: Non-Finnish European, 0.0077%; no homozygotes.

Submissions (6):

GeneDx
Classification: Uncertain significance. Last evaluated: 2025-06-30. Review status: criteria provided, single submitter. Criteria: GeneDx Variant Classification Process June 2021. Collection method: clinical testing. Allele origin: germline. Affected: yes.
Comment: Not observed at significant frequency in large population cohorts (gnomAD); In silico analysis suggests that this missense variant does not alter protein structure/function; Has not been previously published as pathogenic or benign to our knowledge

Blueprint Genetics
Classification: Uncertain significance. Last evaluated: 2024-05-24. Review status: criteria provided, single submitter. Criteria: ACMG Guidelines, 2015. Collection method: clinical testing. Allele origin: germline.

Labcorp Genetics (formerly Invitae), Labcorp
Classification: Uncertain significance. Last evaluated: 2024-05-01. Review status: criteria provided, single submitter. Criteria: Invitae Variant Classification Sherloc (09022015). Collection method: clinical testing. Allele origin: germline.
Comment: This sequence change replaces valine, which is neutral and non-polar, with alanine, which is neutral and non-polar, at codon 2686 of the CDH23 protein (p.Val2686Ala). This variant is present in population databases (rs371567666, gnomAD 0.006%). This variant has not been reported in the literature in individuals affected with CDH23-related conditions. ClinVar contains an entry for this variant (Variation ID: 1343702). Advanced modeling of protein sequence and biophysical properties (such as structural, functional, and spatial information, amino acid conservation, physicochemical variation, residue mobility, and thermodynamic stability) performed at Invitae indicates that this missense variant is not expected to disrupt CDH23 protein function with a negative predictive value of 95%. In summary, the available evidence is currently insufficient to determine the role of this variant in disease. Therefore, it has been classified as a Variant of Uncertain Significance.

Fulgent Genetics
Classification: Uncertain significance for Usher syndrome type 1D; Autosomal recessive nonsyndromic hearing loss 12; Pituitary adenoma 5, multiple types. Last evaluated: 2024-04-15. Review status: criteria provided, single submitter. Criteria: ACMG Guidelines, 2015. Collection method: clinical testing. Allele origin: germline.

Ambry Genetics
Classification: Uncertain significance for Inborn genetic diseases. Last evaluated: 2024-01-09. Review status: criteria provided, single submitter. Criteria: Ambry Variant Classification Scheme 2023. Collection method: clinical testing. Allele origin: germline.

Women's Health and Genetics/Laboratory Corporation of America, LabCorp
Classification: Uncertain significance. Last evaluated: 2022-02-18. Review status: criteria provided, single submitter. Criteria: LabCorp Variant Classification Summary - May 2015. Collection method: clinical testing. Allele origin: germline.

NM_022124.6(CDH23):c.8057T>C (p.Val2686Ala)

Genes: CDH23 (cadherin related 23; plus strand), LOC111982869 (Sharpr-MPRA regulatory region 2121; plus strand). Cytogenetic location: 10q22.1.
Variant type: single nucleotide variant.
Coding change: c.8057T>C on transcript NM_022124.6 (MANE Select); coding-DNA position 8057, T replaced by C.
Protein change: p.Val2686Ala; replaces valine 2686 with alanine.
Molecular consequence: missense variant.
Genome position (GRCh38, 1-based): chr10:71,805,990, T>C. VCF-style: chr10-71805990-T-C. GRCh37 (hg19) VCF-style: chr10-73565747-T-C.
Other names: c.1337T>C, p.Val446Ala (NM_001171933.1, NM_001171934.1); short protein forms V2686A, V446A.
Identifiers: ClinVar variation 1343702 (VCV001343702.8), dbSNP rs371567666, ClinGen allele CA5546518.